The following is an entry in ClinVar:

NM_032043.3(BRIP1):c.3315G>A (p.Leu1105=)

Gene: BRIP1 (BRCA1 interacting DNA helicase 1; minus strand). Cytogenetic location: 17q23.2.
Variant type: single nucleotide variant.
Coding change: c.3315G>A on transcript NM_032043.3 (MANE Select); coding-DNA position 3315, G replaced by A.
Protein change: p.Leu1105=; no amino-acid change (leucine 1105 retained).
Molecular consequence: synonymous variant.
Genome position (GRCh38, 1-based): chr17:61,683,731, C>T on the plus strand (G>A on the coding strand, the complement: BRIP1 is on the minus strand). VCF-style: chr17-61683731-C-T. GRCh37 (hg19) VCF-style: chr17-59761092-C-T.
Identifiers: ClinVar variation 1730128 (VCV001730128.3), dbSNP rs1603275236, ClinGen allele CA501335161.
Genomic context (GRCh38, chr17:61,683,731, plus strand): 5'-TGCTTCTGTTTCAAAATCTCTATTTGAAGTGGACTGTTTATCTTCTTCACTTACTAGAGA[C>T]AATTCAATGTCTGGATCCAGGGCTTCTTCAGAACAGAGCGGATGTTCAGAATGATTTTTT-3'
Protein context (NP_114432.2, residues 1095-1115): SEEALDPDIE[Leu1105=]SLVSEEDKQS

ClinVar aggregate classification (germline): Benign/Likely benign. Review status: criteria provided, multiple submitters, no conflicts (2 of 4 stars). 2 submissions from 2 submitters: Benign (1); Likely benign (1). Last evaluated 2024-09-10.

Conditions:
Hereditary cancer-predisposing syndrome. Also called: Neoplastic Syndromes, Hereditary; Tumor predisposition; Hereditary Cancer Syndrome; Hereditary neoplastic syndrome. Identifiers: Orphanet 140162, MedGen C0027672, MeSH D009386, MONDO:0015356.
Familial cancer of breast. Also called: BREAST CANCER, FAMILIAL; Hereditary breast cancer; hereditary breast carcinoma. Identifiers: Orphanet 227535, MedGen C0346153, MONDO:0016419, OMIM 114480. Disease mechanism: loss of function.

Allele frequency attached by ClinVar (database versions not stated): gnomAD exomes below 0.00001.
gnomAD v4.1: 1 of 1,614,116 alleles (0.000062%); highest among the groups gnomAD compares: Non-Finnish European, 0.000085%; no homozygotes.

Submissions (2):

Myriad Genetics, Inc.
Classification: Benign for Familial cancer of breast. Last evaluated: 2024-09-10. Review status: criteria provided, single submitter. Criteria: Myriad Autosomal Dominant, Autosomal Recessive and X-Linked Classification Criteria (2023). Collection method: clinical testing. Allele origin: unknown.
Comment: This variant is considered benign. This variant is a silent/synonymous amino acid change and it is not expected to impact splicing.

Ambry Genetics
Classification: Likely benign for Hereditary cancer-predisposing syndrome. Last evaluated: 2020-06-11. Review status: criteria provided, single submitter. Criteria: Ambry Variant Classification Scheme 2023. Collection method: clinical testing. Allele origin: germline.